The following is an entry in ClinVar:

ClinVar aggregate classification (germline): Uncertain significance. Review status: criteria provided, multiple submitters, no conflicts (2 of 4 stars). 3 submissions from 3 submitters: Uncertain significance (3). Last evaluated 2025-09-05.

Conditions:
Tuberous sclerosis 1 (TSC1). Identifiers: Orphanet 805, MedGen C1854465, MONDO:0008612, OMIM 191100.
Tuberous sclerosis syndrome (TSC). Also called: Tuberous Sclerosis Complex; Tuberous sclerosis. Identifiers: Orphanet 805, MedGen C0041341, MONDO:0001734.
Hereditary cancer-predisposing syndrome. Also called: Hereditary Cancer Syndrome; Hereditary neoplastic syndrome; Neoplastic Syndromes, Hereditary; Tumor predisposition. Identifiers: Orphanet 140162, MedGen C0027672, MeSH D009386, MONDO:0015356.

Submissions (3):

Color Diagnostics, LLC DBA Color Health
Classification: Uncertain significance for Tuberous sclerosis syndrome. Last evaluated: 2025-09-05. Review status: criteria provided, single submitter. Criteria: ACMG Guidelines, 2015. Collection method: clinical testing. Allele origin: germline.
Comment: This missense variant replaces histidine with glutamine at codon 253 of the TSC1 protein. Computational prediction is inconclusive regarding the impact of this variant on protein structure and function. To our knowledge, functional studies have not been reported for this variant. This variant has not been reported in individuals affected with TSC1-related disorders in the literature. This variant has not been identified in the general population by the Genome Aggregation Database (gnomAD). The available evidence is insufficient to determine the role of this variant in disease conclusively. Therefore, this variant is classified as a Variant of Uncertain Significance.

Labcorp Genetics (formerly Invitae), Labcorp
Classification: Uncertain significance for Tuberous sclerosis 1. Last evaluated: 2025-07-07. Review status: criteria provided, single submitter. Criteria: Invitae Variant Classification Sherloc (09022015). Collection method: clinical testing. Allele origin: germline.
Comment: This sequence change replaces histidine, which is basic and polar, with glutamine, which is neutral and polar, at codon 253 of the TSC1 protein (p.His253Gln). This variant is not present in population databases (gnomAD no frequency). This variant has not been reported in the literature in individuals affected with TSC1-related conditions. ClinVar contains an entry for this variant (Variation ID: 3462436). Invitae Evidence Modeling of protein sequence and biophysical properties (such as structural, functional, and spatial information, amino acid conservation, physicochemical variation, residue mobility, and thermodynamic stability) indicates that this missense variant is not expected to disrupt TSC1 protein function with a negative predictive value of 95%. In summary, the available evidence is currently insufficient to determine the role of this variant in disease. Therefore, it has been classified as a Variant of Uncertain Significance.

Ambry Genetics
Classification: Uncertain significance for Hereditary cancer-predisposing syndrome. Last evaluated: 2024-08-12. Review status: criteria provided, single submitter. Criteria: Ambry Variant Classification Scheme 2023. Collection method: clinical testing. Allele origin: germline.
Comment: The p.H253Q variant (also known as c.759T>G), located in coding exon 7 of the TSC1 gene, results from a T to G substitution at nucleotide position 759. The histidine at codon 253 is replaced by glutamine, an amino acid with highly similar properties. This amino acid position is conserved. In addition, this alteration is predicted to be deleterious by in silico analysis. Based on the available evidence, the clinical significance of this variant remains unclear.

NM_000368.5(TSC1):c.759T>G (p.His253Gln)

Gene: TSC1 (TSC complex subunit 1; minus strand). Cytogenetic location: 9q34.13.
Variant type: single nucleotide variant.
Coding change: c.759T>G on transcript NM_000368.5 (MANE Select); coding-DNA position 759, T replaced by G.
Protein change: p.His253Gln; replaces histidine 253 with glutamine.
Molecular consequence: missense variant. On other transcripts: 5 prime UTR variant (5), non-coding transcript variant (5).
Genome position (GRCh38, 1-based): chr9:132,912,436, A>C on the plus strand (T>G on the coding strand, the complement: TSC1 is on the minus strand). VCF-style: chr9-132912436-A-C. GRCh37 (hg19) VCF-style: chr9-135787823-A-C.
Other names: c.396T>G, p.His132Gln (NM_001406625.1, NM_001362177.2, NM_001406614.1 and 10 more transcripts); c.-193T>G (NM_001406626.1, NM_001406627.1, NM_001406628.1); c.-335T>G (NM_001406629.1, NM_001406630.1); c.759T>G, p.His253Gln (NM_001162426.2, NM_001406592.1, NM_001406593.1 and 16 more transcripts); c.606T>G, p.His202Gln (NM_001162427.2, NM_001406610.1, NM_001406611.1 and 2 more transcripts); short protein forms H132Q, H253Q, H202Q.
Identifiers: ClinVar variation 3462436 (VCV003462436.4).
Genomic context (GRCh38, chr9:132,912,436, plus strand): 5'-ATCTTCATATGAGGCTTCTGTGGGATCCAGAGAGATTTTGGCACACTCGATCACAACATC[A>C]TGAGTTTCTAATCTCTTCCACCTGTAAAATGCAATGAAAGTCAAGAAATGCAAACTGTAA-3'
Protein context (NP_000359.1, residues 243-263): DPRRWKRLET[His253Gln]DVVIECAKIS